The following is an entry in ClinVar:

ClinVar aggregate classification (germline): Uncertain significance (1 of 4 stars; one submission).

Allele frequency attached by ClinVar (database versions not stated): TOPMed below 0.00001; gnomAD 0.00001.
gnomAD v4.1: 4 of 1,516,200 alleles (0.00026%); highest among the groups gnomAD compares: East Asian, 0.0027%; no homozygotes.

Submission:

Labcorp Genetics (formerly Invitae), Labcorp
Classification: Uncertain significance. Last evaluated: 2023-11-07. Review status: criteria provided, single submitter. Criteria: Invitae Variant Classification Sherloc (09022015). Collection method: clinical testing. Allele origin: germline.
Comment: This sequence change replaces arginine, which is basic and polar, with histidine, which is basic and polar, at codon 67 of the ENPP1 protein (p.Arg67His). This variant is not present in population databases (gnomAD no frequency). This variant has not been reported in the literature in individuals affected with ENPP1-related conditions. Algorithms developed to predict the effect of missense changes on protein structure and function output the following: SIFT: "Not Available"; PolyPhen-2: "Benign"; Align-GVGD: "Not Available". The histidine amino acid residue is found in multiple mammalian species, which suggests that this missense change does not adversely affect protein function. In summary, the available evidence is currently insufficient to determine the role of this variant in disease. Therefore, it has been classified as a Variant of Uncertain Significance.

NM_006208.3(ENPP1):c.200G>A (p.Arg67His)

Gene: ENPP1 (ectonucleotide pyrophosphatase/phosphodiesterase 1; plus strand). Cytogenetic location: 6q23.2.
Variant type: single nucleotide variant.
Coding change: c.200G>A on transcript NM_006208.3 (MANE Select); coding-DNA position 200, G replaced by A.
Protein change: p.Arg67His; replaces arginine 67 with histidine.
Molecular consequence: missense variant.
Genome position (GRCh38, 1-based): chr6:131,808,235, G>A. VCF-style: chr6-131808235-G-A. GRCh37 (hg19) VCF-style: chr6-132129375-G-A.
Other names: short protein forms R67H.
Identifiers: ClinVar variation 2863803 (VCV002863803.3), dbSNP rs1781304827, ClinGen allele CA365662343.
Genomic context (GRCh38, chr6:131,808,235, plus strand): 5'-CGTCCTTGCTGGCCCCTATGGACGTGGGGGAGGAGCCGCTGGAGAAGGCGGCGCGCGCCC[G>A]CACTGCCAAGGACCCCAACACCTATAAAGTACTCTCGCTGGTAGGTCCGCGGCCAGGCCC-3'
Protein context (NP_006199.2, residues 57-77): EEPLEKAARA[Arg67His]TAKDPNTYKV